The following is an entry in ClinVar:

ClinVar aggregate classification (germline): Uncertain significance (1 of 4 stars; one submission).

Conditions:
Primary ciliary dyskinesia. Also called: Ciliary dyskinesia. Identifiers: Orphanet 244, MedGen C0008780, MONDO:0016575, HP:0012265.

Allele frequency attached by ClinVar (database versions not stated): ExAC 0.00002; gnomAD exomes 0.00002; TOPMed 0.00002; gnomAD 0.00003; 1000 Genomes Project 0.00060; 1000 Genomes Project 30x 0.00062.
gnomAD v4.1: 14 of 1,614,072 alleles (0.00087%); highest among the groups gnomAD compares: Admixed American, 0.023%; no homozygotes.

Submission:

Ambry Genetics
Classification: Uncertain significance for Primary ciliary dyskinesia. Last evaluated: 2022-01-12. Review status: criteria provided, single submitter. Criteria: Ambry Variant Classification Scheme 2023. Collection method: clinical testing. Allele origin: germline.
Comment: The p.G85V variant (also known as c.254G>T), located in coding exon 2 of the DNAAF1 gene, results from a G to T substitution at nucleotide position 254. The glycine at codon 85 is replaced by valine, an amino acid with dissimilar properties. This amino acid position is conserved. In addition, this alteration is predicted to be tolerated by in silico analysis. Since supporting evidence is limited at this time, the clinical significance of this alteration remains unclear.

NM_178452.6(DNAAF1):c.254G>T (p.Gly85Val)

Gene: DNAAF1 (dynein axonemal assembly factor 1; plus strand). Cytogenetic location: 16q24.1.
Variant type: single nucleotide variant.
Coding change: c.254G>T on transcript NM_178452.6 (MANE Select); coding-DNA position 254, G replaced by T.
Protein change: p.Gly85Val; replaces glycine 85 with valine.
Molecular consequence: missense variant.
Genome position (GRCh38, 1-based): chr16:84,149,136, G>T. VCF-style: chr16-84149136-G-T. GRCh37 (hg19) VCF-style: chr16-84182741-G-T.
Other names: short protein forms G85V.
Identifiers: ClinVar variation 1792935 (VCV001792935.2), dbSNP rs527423763, ClinGen allele CA8202403.